The following is an entry in ClinVar:

ClinVar aggregate classification (germline): Uncertain significance (1 of 4 stars; one submission).

Submission:

GeneDx
Classification: Uncertain significance. Last evaluated: 2022-11-22. Review status: criteria provided, single submitter. Criteria: GeneDx Variant Classification Process June 2021. Collection method: clinical testing. Allele origin: germline. Affected: yes.
Comment: Not observed at significant frequency in large population cohorts (gnomAD); In silico analysis supports that this missense variant does not alter protein structure/function; Has not been previously published as pathogenic or benign to our knowledge

NM_000051.4(ATM):c.7710A>C (p.Glu2570Asp)

Genes: ATM (ATM serine/threonine kinase; plus strand), C11orf65 (chromosome 11 open reading frame 65; minus strand). Cytogenetic location: 11q22.3.
Variant type: single nucleotide variant.
Coding change: c.7710A>C on transcript NM_000051.4 (MANE Select); coding-DNA position 7710, A replaced by C.
Protein change: p.Glu2570Asp; replaces glutamic acid 2570 with aspartic acid.
Molecular consequence: missense variant. On other transcripts: intron variant (2).
Genome position (GRCh38, 1-based): chr11:108,331,959, A>C. VCF-style: chr11-108331959-A-C. GRCh37 (hg19) VCF-style: chr11-108202686-A-C.
Other names: c.7710A>C, p.Glu2570Asp (NM_001351834.2); c.641-22888T>G (NM_001330368.2); c.*38+3261T>G (NM_001351110.2); short protein forms E2570D.
Identifiers: ClinVar variation 2502606 (VCV002502606.1), dbSNP rs760215505, ClinGen allele CA382561058.